The following is an entry in ClinVar:

ClinVar aggregate classification (germline): Uncertain significance (1 of 4 stars; one submission).

Conditions:
Fanconi anemia (FA). Also called: Fanconi's anemia. Identifiers: Orphanet 84, MedGen C0015625, MeSH D005199, MONDO:0019391.

Submission:

Labcorp Genetics (formerly Invitae), Labcorp
Classification: Uncertain significance for Fanconi anemia. Last evaluated: 2022-08-10. Review status: criteria provided, single submitter. Criteria: Invitae Variant Classification Sherloc (09022015). Collection method: clinical testing. Allele origin: germline.
Comment: This variant is not present in population databases (gnomAD no frequency). In summary, the available evidence is currently insufficient to determine the role of this variant in disease. Therefore, it has been classified as a Variant of Uncertain Significance. Algorithms developed to predict the effect of missense changes on protein structure and function (SIFT, PolyPhen-2, Align-GVGD) all suggest that this variant is likely to be tolerated. This variant has not been reported in the literature in individuals affected with FANCB-related conditions. This sequence change replaces threonine, which is neutral and polar, with isoleucine, which is neutral and non-polar, at codon 355 of the FANCB protein (p.Thr355Ile).

NM_001018113.3(FANCB):c.1064C>T (p.Thr355Ile)

Gene: FANCB (FA complementation group B; minus strand). Cytogenetic location: Xp22.2.
Variant type: single nucleotide variant.
Coding change: c.1064C>T on transcript NM_001018113.3 (MANE Select); coding-DNA position 1064, C replaced by T.
Protein change: p.Thr355Ile; replaces threonine 355 with isoleucine.
Molecular consequence: missense variant.
Genome position (GRCh38, 1-based): chrX:14,859,222, G>A on the plus strand (C>T on the coding strand, the complement: FANCB is on the minus strand). VCF-style: chrX-14859222-G-A. GRCh37 (hg19) VCF-style: chrX-14877344-G-A.
Other names: c.1064C>T, p.Thr355Ile (NM_001324162.2, NM_001410764.1, NM_152633.4); short protein forms T355I.
Identifiers: ClinVar variation 1716044 (VCV001716044.5), dbSNP rs2518992740, ClinGen allele CA412443070.
Genomic context (GRCh38, chrX:14,859,222, plus strand): 5'-AATAAGTAAATAGAACTTACCGAATAGTTTATTTTTCCAAGATCCGTTATTTTAAATGAA[G>A]TCAGGCAGTCTGAGTTCAAGGAGTCCTTAAAAAGTAGGAGTACTTGTTCAGTTCCACTTC-3'
Protein context (NP_001018123.1, residues 345-365): FKDSLNSDCL[Thr355Ile]SFKITDLGKI